The following is an entry in ClinVar:

NM_000057.4(BLM):c.1655A>G (p.Asp552Gly)

Gene: BLM (BLM RecQ like helicase; plus strand). Cytogenetic location: 15q26.1.
Variant type: single nucleotide variant.
Coding change: c.1655A>G on transcript NM_000057.4 (MANE Select); coding-DNA position 1655, A replaced by G.
Protein change: p.Asp552Gly; replaces aspartic acid 552 with glycine.
Molecular consequence: missense variant.
Genome position (GRCh38, 1-based): chr15:90,761,028, A>G. VCF-style: chr15-90761028-A-G. GRCh37 (hg19) VCF-style: chr15-91304258-A-G.
Other names: c.1655A>G, p.Asp552Gly (NM_001287246.2, NM_001287247.2); c.530A>G, p.Asp177Gly (NM_001287248.2); short protein forms D177G, D552G.
Identifiers: ClinVar variation 3824482 (VCV003824482.1).
Genomic context (GRCh38, chr15:90,761,028, plus strand): 5'-ATCAGAATAAACATACTGCTTCAATAAATGACTTAGAAAGAGAAACCCAACCTTCCTATG[A>G]TATTGATAATTTTGACATAGATGACTTTGATGATGATGATGACTGGGAAGACATAATGCA-3'
Protein context (NP_000048.1, residues 542-562): DLERETQPSY[Asp552Gly]IDNFDIDDFD

ClinVar aggregate classification (germline): Uncertain significance (1 of 4 stars; one submission).

Conditions:
Hereditary cancer-predisposing syndrome. Also called: Hereditary neoplastic syndrome; Neoplastic Syndromes, Hereditary; Tumor predisposition; Hereditary Cancer Syndrome. Identifiers: Orphanet 140162, MedGen C0027672, MeSH D009386, MONDO:0015356.

Submission:

Ambry Genetics
Classification: Uncertain significance for Hereditary cancer-predisposing syndrome. Last evaluated: 2025-03-07. Review status: criteria provided, single submitter. Criteria: Ambry Variant Classification Scheme 2023. Collection method: clinical testing. Allele origin: germline.
Comment: The p.D552G variant (also known as c.1655A>G), located in coding exon 6 of the BLM gene, results from an A to G substitution at nucleotide position 1655. The aspartic acid at codon 552 is replaced by glycine, an amino acid with similar properties. This amino acid position is conserved. In addition, this alteration is predicted to be tolerated by in silico analysis. Based on the available evidence, the clinical significance of this variant remains unclear.